The following is an entry in ClinVar:

NM_000264.5(PTCH1):c.2130C>A (p.Asp710Glu)

Genes: PTCH1 (patched 1; minus strand), LOC100507346 (uncharacterized LOC100507346; plus strand). Cytogenetic location: 9q22.32.
Variant type: single nucleotide variant.
Coding change: c.2130C>A on transcript NM_000264.5 (MANE Select); coding-DNA position 2130, C replaced by A.
Protein change: p.Asp710Glu; replaces aspartic acid 710 with glutamic acid.
Molecular consequence: missense variant. On other transcripts: non-coding transcript variant (2).
Genome position (GRCh38, 1-based): chr9:95,468,871, G>T on the plus strand (C>A on the coding strand, the complement: PTCH1 is on the minus strand). VCF-style: chr9-95468871-G-T. GRCh37 (hg19) VCF-style: chr9-98231153-G-T.
Other names: c.2130C>A (NM_000264.4); c.1932C>A, p.Asp644Glu (NM_001083602.3); c.2127C>A, p.Asp709Glu (NM_001083603.3); c.1677C>A, p.Asp559Glu (NM_001083604.3, NM_001083605.3, NM_001083606.3 and 1 more transcripts); c.1974C>A, p.Asp658Glu (NM_001354918.2); short protein forms D710E, D644E, D709E, D658E, D559E.
Identifiers: ClinVar variation 580187 (VCV000580187.12), dbSNP rs774362306, ClinGen allele CA5138446.

ClinVar aggregate classification (germline): Conflicting classifications of pathogenicity. Review status: criteria provided, conflicting classifications (1 of 4 stars). 3 submissions from 3 submitters: Uncertain significance (2); Benign (1). Last evaluated 2025-04-14.

Conditions:
Hereditary cancer-predisposing syndrome. Also called: Hereditary neoplastic syndrome; Tumor predisposition; Hereditary Cancer Syndrome; Neoplastic Syndromes, Hereditary. Identifiers: Orphanet 140162, MedGen C0027672, MeSH D009386, MONDO:0015356.
Gorlin syndrome. Also called: Basal cell nevus syndrome; Nevoid Basal Cell Carcinoma Syndrome. Identifiers: Orphanet 377, MedGen C0004779, MONDO:0007187.

Allele frequency attached by ClinVar (database versions not stated): gnomAD 0.00001; gnomAD exomes 0.00001; TOPMed 0.00001; ExAC 0.00002.

Submissions (3):

Labcorp Genetics (formerly Invitae), Labcorp
Classification: Benign for Gorlin syndrome. Last evaluated: 2025-04-14. Review status: criteria provided, single submitter. Criteria: Invitae Variant Classification Sherloc (09022015). Collection method: clinical testing. Allele origin: germline.

Ambry Genetics
Classification: Uncertain significance for Hereditary cancer-predisposing syndrome. Last evaluated: 2024-02-16. Review status: criteria provided, single submitter. Criteria: Ambry Variant Classification Scheme 2023. Collection method: clinical testing. Allele origin: germline.
Comment: The p.D710E variant (also known as c.2130C>A), located in coding exon 14 of the PTCH1 gene, results from a C to A substitution at nucleotide position 2130. The aspartic acid at codon 710 is replaced by glutamic acid, an amino acid with highly similar properties. This amino acid position is highly conserved in available vertebrate species. In addition, the in silico prediction for this alteration is inconclusive. Based on the available evidence, the clinical significance of this alteration remains unclear.

Quest Diagnostics Nichols Institute San Juan Capistrano
Classification: Uncertain significance. Last evaluated: 2022-12-19. Review status: criteria provided, single submitter. Criteria: Quest Diagnostics criteria. Collection method: clinical testing. Allele origin: unknown.
Comment: To the best of our knowledge, the variant has not been reported in the published literature. The frequency of this variant in the general population, 0.00016 (3/18388 chromosomes in East Asian subpopulation), is higher than would generally be expected for pathogenic variants in this gene. Analysis of this variant using bioinformatics tools for the prediction of the effect of amino acid changes on protein structure and function yielded predictions that this variant is benign. Based on the available information, we are unable to determine the clinical significance of this variant.